The following is an entry in ClinVar:

NM_177438.3(DICER1):c.3270A>G (p.Arg1090=)

Gene: DICER1 (dicer 1, ribonuclease III; minus strand). Cytogenetic location: 14q32.13.
Variant type: single nucleotide variant.
Coding change: c.3270A>G on transcript NM_177438.3 (MANE Select); coding-DNA position 3270, A replaced by G.
Protein change: p.Arg1090=; no amino-acid change (arginine 1090 retained).
Molecular consequence: synonymous variant.
Genome position (GRCh38, 1-based): chr14:95,104,126, T>C on the plus strand (A>G on the coding strand, the complement: DICER1 is on the minus strand). VCF-style: chr14-95104126-T-C. GRCh37 (hg19) VCF-style: chr14-95570463-T-C.
Other names: c.3270A>G, p.Arg1090= (NM_001195573.1, NM_001271282.3, NM_001291628.2 and 1 more transcripts).
Identifiers: ClinVar variation 567680 (VCV000567680.13), dbSNP rs1262516728, ClinGen allele CA487844815.

ClinVar aggregate classification (germline): Conflicting classifications of pathogenicity. Review status: criteria provided, conflicting classifications (1 of 4 stars). 3 submissions from 3 submitters: Uncertain significance (1); Likely benign (2). Last evaluated 2025-03-31.

Conditions:
Hereditary cancer-predisposing syndrome. Also called: Neoplastic Syndromes, Hereditary; Tumor predisposition; Hereditary Cancer Syndrome; Hereditary neoplastic syndrome. Identifiers: Orphanet 140162, MedGen C0027672, MeSH D009386, MONDO:0015356.
DICER1-related tumor predisposition. Also called: DICER1-related pleuropulmonary blastoma cancer predisposition syndrome; DICER1 syndrome. Identifiers: Orphanet 284343, MedGen C3839822, MONDO:0100216.

Allele frequency attached by ClinVar (database versions not stated): TOPMed below 0.00001; gnomAD exomes 0.00001.
gnomAD v4.1: 3 of 1,610,252 alleles (0.00019%); highest among the groups gnomAD compares: Non-Finnish European, 0.00025%; no homozygotes.

Submissions (3):

Labcorp Genetics (formerly Invitae), Labcorp
Classification: Likely benign for DICER1-related tumor predisposition. Last evaluated: 2025-03-31. Review status: criteria provided, single submitter. Criteria: Invitae Variant Classification Sherloc (09022015). Collection method: clinical testing. Allele origin: germline.

Ambry Genetics
Classification: Likely benign for Hereditary cancer-predisposing syndrome. Last evaluated: 2022-03-04. Review status: criteria provided, single submitter. Criteria: Ambry Variant Classification Scheme 2023. Collection method: clinical testing. Allele origin: germline.

Genetic Services Laboratory, University of Chicago
Classification: Uncertain significance. Last evaluated: 2021-05-13. Review status: criteria provided, single submitter. Criteria: ACMG Guidelines, 2015. Collection method: clinical testing. Allele origin: germline. Affected: no.
Comment: DNA sequence analysis of the DICER1 gene demonstrated a sequence change, c.3270A>G, at the first base pair of exon 21 which does not result in an amino acid change. This sequence change does not appear to have been previously described in individuals with DICER1-related disorders. This sequence change is absent in the gnomAD population database. The effect on splicing of this sequence change by in silico splice site prediction programs is unclear. As the c.3270A>G sequence change does not result in a change in the DICER1 amino acid sequence, it is possible that this change is non-pathogenic and represents a benign sequence variant of the DICER1 gene, however functional studies have not been performed to prove this conclusively. The functional significance of this sequence change is not known at present and its contribution to this patient's disease phenotype cannot definitively be determined.